The following is an entry in ClinVar:

ClinVar aggregate classification (germline): Benign/Likely benign. Review status: criteria provided, multiple submitters, no conflicts (2 of 4 stars). 2 submissions from 2 submitters: Benign (1); Likely benign (1). Last evaluated 2026-05-25.

gnomAD v4.1: 1,171 of 662,992 alleles (0.18%); highest among the groups gnomAD compares: African/African-American, 1.8%; 10 homozygotes.

Submissions (2):

Revvity Omics, Revvity
Classification: Benign. Last evaluated: 2026-05-25. Review status: criteria provided, single submitter. Criteria: ACMG Guidelines, 2015. Collection method: clinical testing. Allele origin: germline.

GeneDx
Classification: Likely benign. Last evaluated: 2021-12-31. Review status: criteria provided, single submitter. Criteria: GeneDx Variant Classification Process June 2021. Collection method: clinical testing. Allele origin: germline. Affected: yes.
Comment: See Variant Classification Assertion Criteria.

NM_017649.5(CNNM2):c.*150C>T

Gene: CNNM2 (cyclin and CBS domain divalent metal cation transport mediator 2; plus strand). Cytogenetic location: 10q24.32.
Variant type: single nucleotide variant.
Coding change: c.*150C>T on transcript NM_017649.5 (MANE Select); 150 bases downstream of the stop codon, C replaced by T.
Molecular consequence: 3 prime UTR variant.
Genome position (GRCh38, 1-based): chr10:103,077,330, C>T. VCF-style: chr10-103077330-C-T. GRCh37 (hg19) VCF-style: chr10-104837087-C-T.
Other names: c.*150C>T (NM_199076.3).
Identifiers: ClinVar variation 3342353 (VCV003342353.2).